The following is an entry in ClinVar:

ClinVar aggregate classification (germline): Uncertain significance (1 of 4 stars; one submission).

Conditions:
Hereditary cancer-predisposing syndrome. Also called: Neoplastic Syndromes, Hereditary; Hereditary Cancer Syndrome; Tumor predisposition; Hereditary neoplastic syndrome. Identifiers: Orphanet 140162, MedGen C0027672, MeSH D009386, MONDO:0015356.

Submission:

Labcorp Genetics (formerly Invitae), Labcorp
Classification: Uncertain significance for Hereditary cancer-predisposing syndrome. Last evaluated: 2023-06-13. Review status: criteria provided, single submitter. Criteria: Invitae Variant Classification Sherloc (09022015). Collection method: clinical testing. Allele origin: germline.
Comment: In summary, the available evidence is currently insufficient to determine the role of this variant in disease. Therefore, it has been classified as a Variant of Uncertain Significance. Advanced modeling of protein sequence and biophysical properties (such as structural, functional, and spatial information, amino acid conservation, physicochemical variation, residue mobility, and thermodynamic stability) performed at Invitae indicates that this missense variant is expected to disrupt RAD50 protein function. ClinVar contains an entry for this variant (Variation ID: 998483). This variant has not been reported in the literature in individuals affected with RAD50-related conditions. This variant is not present in population databases (gnomAD no frequency). This sequence change replaces isoleucine, which is neutral and non-polar, with phenylalanine, which is neutral and non-polar, at codon 698 of the RAD50 protein (p.Ile698Phe).

NM_005732.4(RAD50):c.2092A>T (p.Ile698Phe)

Gene: RAD50 (RAD50 double strand break repair protein; plus strand). Cytogenetic location: 5q31.1.
Variant type: single nucleotide variant.
Coding change: c.2092A>T on transcript NM_005732.4 (MANE Select); coding-DNA position 2092, A replaced by T.
Protein change: p.Ile698Phe; replaces isoleucine 698 with phenylalanine.
Molecular consequence: missense variant.
Genome position (GRCh38, 1-based): chr5:132,595,695, A>T. VCF-style: chr5-132595695-A-T. GRCh37 (hg19) VCF-style: chr5-131931387-A-T.
Other names: short protein forms I698F.
Identifiers: ClinVar variation 998483 (VCV000998483.9), dbSNP rs781213977, ClinGen allele CA360949993.